The following is an entry in ClinVar:

NM_000492.4(CFTR):c.1278C>T (p.Asp426=)

Genes: CFTR (CF transmembrane conductance regulator; plus strand), CFTR-AS1 (CFTR antisense RNA 1; minus strand). Cytogenetic location: 7q31.2.
Variant type: single nucleotide variant.
Coding change: c.1278C>T on transcript NM_000492.4 (MANE Select); coding-DNA position 1278, C replaced by T.
Protein change: p.Asp426=; no amino-acid change (aspartic acid 426 retained).
Molecular consequence: synonymous variant.
Genome position (GRCh38, 1-based): chr7:117,548,709, C>T. VCF-style: chr7-117548709-C-T. GRCh37 (hg19) VCF-style: chr7-117188763-C-T.
Other names: c.1278C>T (NM_000492.3).
Identifiers: ClinVar variation 990534 (VCV000990534.8), dbSNP rs2896225, ClinGen allele CA164960265.

ClinVar aggregate classification (germline): Likely benign. Review status: criteria provided, multiple submitters, no conflicts (2 of 4 stars). 5 submissions from 5 submitters: Likely benign (4). 1 of the submissions does not count toward it. Last evaluated 2023-09-07.

Conditions:
Cystic fibrosis (CF). Also called: MUCOVISCIDOSIS. Identifiers: Orphanet 586, MedGen C0010674, MONDO:0009061, OMIM 219700. Disease mechanism: loss of function.

Submissions (5):

Labcorp Genetics (formerly Invitae), Labcorp
Classification: Likely benign for Cystic fibrosis. Last evaluated: 2023-09-07. Review status: criteria provided, single submitter. Criteria: Invitae Variant Classification Sherloc (09022015). Collection method: clinical testing. Allele origin: germline.

Ambry Genetics
Classification: Likely benign for Cystic fibrosis. Last evaluated: 2022-02-21. Review status: criteria provided, single submitter. Criteria: Ambry Variant Classification Scheme 2023. Collection method: clinical testing. Allele origin: germline.

Women's Health and Genetics/Laboratory Corporation of America, LabCorp
Classification: Likely benign. Last evaluated: 2022-01-11. Review status: criteria provided, single submitter. Criteria: LabCorp Variant Classification Summary - May 2015. Collection method: clinical testing. Allele origin: germline.
Comment: Variant summary: CFTR c.1278C>T alters a non-conserved nucleotide resulting in a synonymous change. 4/4 computational tools predict no significant impact on normal splicing. However, these predictions have yet to be confirmed by functional studies. The variant was absent in 246248 control chromosomes. The available data on variant occurrences in the general population are insufficient to allow any conclusion about variant significance. To our knowledge, no occurrence of c.1278C>T in individuals affected with Cystic Fibrosis and no experimental evidence demonstrating its impact on protein function have been reported. One clinical diagnostic laboratory has submitted clinical-significance assessments for this variant to ClinVar after 2014 without evidence for independent evaluation and classified the variant as uncertain significance. Based on the evidence outlined above, the variant was classified as likely benign.

Blueprint Genetics
Classification: Likely benign. Last evaluated: 2020-07-24. Review status: criteria provided, single submitter. Criteria: ACMG Guidelines, 2015. Collection method: clinical testing. Allele origin: germline.

Natera, Inc.
Classification: Uncertain significance for Cystic Fibrosis. Last evaluated: 2020-07-02. Review status: no assertion criteria provided. Collection method: clinical testing. Allele origin: germline. Not counted in ClinVar's aggregate classification.